The following is an entry in ClinVar:

NC_000006.11:g.(?_161990367)_(162475226_?)dup

Gene: PRKN (parkin RBR E3 ubiquitin protein ligase; minus strand). Cytogenetic location: 6q26.
Variant type: Duplication.
Identifiers: ClinVar variation 3246184 (VCV003246184.1).

ClinVar aggregate classification (germline): Uncertain significance (1 of 4 stars; one submission).

Submission:

Labcorp Genetics (formerly Invitae), Labcorp
Classification: Uncertain significance. Last evaluated: 2024-01-08. Review status: criteria provided, single submitter. Criteria: Invitae Variant Classification Sherloc (09022015). Collection method: clinical testing. Allele origin: unknown.
Comment: This variant results in a copy number gain of the genomic region encompassing exon(s) 5-8 of the PRKN gene. While the exact position of this variant cannot be determined from the data, sub-genic copy number gains are generally in tandem (PMID: 25640679). This variant is predicted to be in-frame, and likely preserves the integrity of the reading frame. A similar copy number variant has been observed in individual(s) with Parkinson disease (PMID: 16643317). Experimental studies and prediction algorithms are not available or were not evaluated, and the functional significance of this variant is currently unknown. In summary, the available evidence is currently insufficient to determine the role of this variant in disease. Therefore, it has been classified as a Variant of Uncertain Significance.

Literature cited by the submitters: PubMed 25640679; PubMed 16643317.